The following is an entry in ClinVar:

NM_000732.6(CD3D):c.187C>T (p.Arg63Cys)

Gene: CD3D (CD3 delta subunit of T-cell receptor complex; minus strand). Cytogenetic location: 11q23.3.
Variant type: single nucleotide variant.
Coding change: c.187C>T on transcript NM_000732.6 (MANE Select); coding-DNA position 187, C replaced by T.
Protein change: p.Arg63Cys; replaces arginine 63 with cysteine.
Molecular consequence: missense variant.
Genome position (GRCh38, 1-based): chr11:118,340,462, G>A on the plus strand (C>T on the coding strand, the complement: CD3D is on the minus strand). VCF-style: chr11-118340462-G-A. GRCh37 (hg19) VCF-style: chr11-118211177-G-A.
Other names: c.187C>T, p.Arg63Cys (NM_001040651.2); short protein forms R63C.
Identifiers: ClinVar variation 1020817 (VCV001020817.4), dbSNP rs149264725, ClinGen allele CA6301979.

ClinVar aggregate classification (germline): Uncertain significance (1 of 4 stars; one submission).

Conditions:
Immunodeficiency 19 (IMD19). Also called: CD3-DELTA DEFICIENCY; SEVERE COMBINED IMMUNODEFICIENCY, T CELL-NEGATIVE, B CELL-POSITIVE, NK CELL-POSITIVE; SCID, T CELL-NEGATIVE, B CELL-POSITIVE, NK CELL-POSITIVE; IMMUNODEFICIENCY 19, SEVERE COMBINED. Identifiers: MedGen C3810147, MONDO:0014280, OMIM 615617.

Allele frequency attached by ClinVar (database versions not stated): gnomAD 0.00002 and 0.00003; TOPMed 0.00002; ESP Exome Variant Server 0.00008; gnomAD exomes 0.00008; ExAC 0.00012; 1000 Genomes Project 0.00020; 1000 Genomes Project 30x 0.00047.
gnomAD v4.1: 70 of 1,613,902 alleles (0.0043%); highest among the groups gnomAD compares: South Asian, 0.0055%; no homozygotes.

Submission:

Labcorp Genetics (formerly Invitae), Labcorp
Classification: Uncertain significance for Immunodeficiency 19. Last evaluated: 2022-07-12. Review status: criteria provided, single submitter. Criteria: Invitae Variant Classification Sherloc (09022015). Collection method: clinical testing. Allele origin: germline.
Comment: This sequence change replaces arginine, which is basic and polar, with cysteine, which is neutral and slightly polar, at codon 63 of the CD3D protein (p.Arg63Cys). This variant is present in population databases (rs149264725, gnomAD 0.02%). This variant has not been reported in the literature in individuals affected with CD3D-related conditions. ClinVar contains an entry for this variant (Variation ID: 1020817). Algorithms developed to predict the effect of missense changes on protein structure and function are either unavailable or do not agree on the potential impact of this missense change (SIFT: "Deleterious"; PolyPhen-2: "Benign"; Align-GVGD: "Class C15"). In summary, the available evidence is currently insufficient to determine the role of this variant in disease. Therefore, it has been classified as a Variant of Uncertain Significance.